The following is an entry in ClinVar:

NM_000981.4(RPL19):c.216G>T (p.Lys72Asn)

Gene: RPL19 (ribosomal protein L19; plus strand). Cytogenetic location: 17q12.
Variant type: single nucleotide variant.
Coding change: c.216G>T on transcript NM_000981.4 (MANE Select); coding-DNA position 216, G replaced by T.
Protein change: p.Lys72Asn; replaces lysine 72 with asparagine.
Molecular consequence: missense variant.
Genome position (GRCh38, 1-based): chr17:39,202,420, G>T. VCF-style: chr17-39202420-G-T. GRCh37 (hg19) VCF-style: chr17-37358673-G-T.
Other names: c.210G>T, p.Lys70Asn (NM_001330200.1); short protein forms K70N, K72N.
Identifiers: ClinVar variation 2893589 (VCV002893589.3), dbSNP rs536177013, ClinGen allele CA398835597.
Genomic context (GRCh38, chr17:39,202,420, plus strand): 5'-CAAGCCTGTGACGGTCCATTCCCGGGCTCGATGCCGGAAAAACACCTTGGCCCGCCGGAA[G>T]GGCAGGCACATGGGCATAGGTAAGTGTGGTCATCTTCTCCTTAAGAAATGATAGGTGCTG-3'
Protein context (NP_000972.1, residues 62-82): RCRKNTLARR[Lys72Asn]GRHMGIGKRK

ClinVar aggregate classification (germline): Uncertain significance (1 of 4 stars; one submission).

Submission:

Labcorp Genetics (formerly Invitae), Labcorp
Classification: Uncertain significance. Last evaluated: 2023-01-16. Review status: criteria provided, single submitter. Criteria: Invitae Variant Classification Sherloc (09022015). Collection method: clinical testing. Allele origin: germline.
Comment: In summary, the available evidence is currently insufficient to determine the role of this variant in disease. Therefore, it has been classified as a Variant of Uncertain Significance. Algorithms developed to predict the effect of missense changes on protein structure and function are either unavailable or do not agree on the potential impact of this missense change (SIFT: "Deleterious"; PolyPhen-2: "Possibly Damaging"; Align-GVGD: "Class C0"). This variant has not been reported in the literature in individuals affected with RPL19-related conditions. This variant is not present in population databases (gnomAD no frequency). This sequence change replaces lysine, which is basic and polar, with asparagine, which is neutral and polar, at codon 72 of the RPL19 protein (p.Lys72Asn).